The following is an entry in ClinVar:

NM_152594.3(SPRED1):c.922T>A (p.Ser308Thr)

Gene: SPRED1 (sprouty related EVH1 domain containing 1; plus strand). Cytogenetic location: 15q14.
Variant type: single nucleotide variant.
Coding change: c.922T>A on transcript NM_152594.3 (MANE Select); coding-DNA position 922, T replaced by A.
Protein change: p.Ser308Thr; replaces serine 308 with threonine.
Molecular consequence: missense variant.
Genome position (GRCh38, 1-based): chr15:38,351,251, T>A. VCF-style: chr15-38351251-T-A. GRCh37 (hg19) VCF-style: chr15-38643452-T-A.
Other names: short protein forms S308T.
Identifiers: ClinVar variation 961394 (VCV000961394.10), dbSNP rs765841849, ClinGen allele CA7470205.

ClinVar aggregate classification (germline): Uncertain significance (1 of 4 stars; one submission).

Conditions:
Legius syndrome. Identifiers: Orphanet 137605, MedGen C1969623, MONDO:0012669, OMIM 611431. Disease mechanism: loss of function.

gnomAD v4.1: 1 of 1,613,972 alleles (0.000062%); highest among the groups gnomAD compares: African/African-American, 0.0013%; no homozygotes.

Submission:

Labcorp Genetics (formerly Invitae), Labcorp
Classification: Uncertain significance for Legius syndrome. Last evaluated: 2024-04-23. Review status: criteria provided, single submitter. Criteria: Invitae Variant Classification Sherloc (09022015). Collection method: clinical testing. Allele origin: germline.
Comment: This sequence change replaces serine, which is neutral and polar, with threonine, which is neutral and polar, at codon 308 of the SPRED1 protein (p.Ser308Thr). This variant is not present in population databases (gnomAD no frequency). This variant has not been reported in the literature in individuals affected with SPRED1-related conditions. ClinVar contains an entry for this variant (Variation ID: 961394). Advanced modeling of protein sequence and biophysical properties (such as structural, functional, and spatial information, amino acid conservation, physicochemical variation, residue mobility, and thermodynamic stability) performed at Invitae indicates that this missense variant is not expected to disrupt SPRED1 protein function with a negative predictive value of 80%. In summary, the available evidence is currently insufficient to determine the role of this variant in disease. Therefore, it has been classified as a Variant of Uncertain Significance.